The following is an entry in ClinVar:

NM_001368067.1(LDB3):c.544A>T (p.Ser182Cys)

Genes: LDB3 (LIM domain binding 3; plus strand), LOC110121486 (VISTA enhancer hs2143; plus strand). Cytogenetic location: 10q23.2.
Variant type: single nucleotide variant.
Coding change: c.544A>T on transcript NM_001368067.1 (MANE Plus Clinical); coding-DNA position 544, A replaced by T.
Protein change: p.Ser182Cys; replaces serine 182 with cysteine.
Molecular consequence: missense variant. On other transcripts: intron variant (5).
Genome position (GRCh38, 1-based): chr10:86,687,268, A>T. VCF-style: chr10-86687268-A-T. GRCh37 (hg19) VCF-style: chr10-88447025-A-T.
Other names: c.544A>T, p.Ser182Cys (NM_001080114.2, NM_001080116.1, NM_001368066.1 and 1 more transcripts); c.889A>T, p.Ser297Cys (NM_001171610.2, NM_001171611.2); c.690-4628A>T (NM_001368064.1, NM_001368063.1, NM_007078.3 and 2 more transcripts); short protein forms S182C, S297C.
Identifiers: ClinVar variation 4797955 (VCV004797955.1).

ClinVar aggregate classification (germline): Uncertain significance (1 of 4 stars; one submission).

Conditions:
Myofibrillar myopathy 4. Also called: Zaspopathy (type). Identifiers: Orphanet 98912, MedGen C4721886, MONDO:0012277, OMIM 609452.

Submission:

Labcorp Genetics (formerly Invitae), Labcorp
Classification: Uncertain significance for Myofibrillar myopathy 4. Last evaluated: 2025-11-13. Review status: criteria provided, single submitter. Criteria: Invitae Variant Classification Sherloc (09022015). Collection method: clinical testing. Allele origin: germline.
Comment: This sequence change replaces serine, which is neutral and polar, with cysteine, which is neutral and slightly polar, at codon 182 of the LDB3 protein (p.Ser182Cys). This variant is not present in population databases (gnomAD no frequency). This variant has not been reported in the literature in individuals affected with LDB3-related conditions. An algorithm developed to predict the effect of missense changes on protein structure and function (PolyPhen-2) suggests that this variant is likely to be disruptive. In summary, the available evidence is currently insufficient to determine the role of this variant in disease. Therefore, it has been classified as a Variant of Uncertain Significance.